The following is an entry in ClinVar:

ClinVar aggregate classification (germline): Uncertain significance (1 of 4 stars; one submission).

Conditions:
Inflammatory bowel disease. Identifiers: Orphanet 104012, MedGen C0021390, MONDO:0005265.

gnomAD v4.1: 28 of 1,614,102 alleles (0.0017%); highest among the groups gnomAD compares: Non-Finnish European, 0.0023%; no homozygotes.

Submission:

Labcorp Genetics (formerly Invitae), Labcorp
Classification: Uncertain significance for Inflammatory bowel disease. Last evaluated: 2024-10-15. Review status: criteria provided, single submitter. Criteria: Invitae Variant Classification Sherloc (09022015). Collection method: clinical testing. Allele origin: germline.
Comment: This sequence change replaces valine, which is neutral and non-polar, with leucine, which is neutral and non-polar, at codon 16 of the IL10 protein (p.Val16Leu). This variant is not present in population databases (gnomAD no frequency). This variant has not been reported in the literature in individuals affected with IL10-related conditions. ClinVar contains an entry for this variant (Variation ID: 1484774). An algorithm developed to predict the effect of missense changes on protein structure and function outputs the following: PolyPhen-2: "Benign". The leucine amino acid residue is found in multiple mammalian species, which suggests that this missense change does not adversely affect protein function. In summary, the available evidence is currently insufficient to determine the role of this variant in disease. Therefore, it has been classified as a Variant of Uncertain Significance.

NM_000572.3(IL10):c.46G>T (p.Val16Leu)

Genes: IL10 (interleukin 10; minus strand), IL19 (interleukin 19; plus strand), LOC128462409 (CRISPRi-FlowFISH-validated IL10 regulatory element GRCh37_chr1:206945468-206946089; plus strand). Cytogenetic location: 1q32.1.
Variant type: single nucleotide variant.
Coding change: c.46G>T on transcript NM_000572.3 (MANE Select); coding-DNA position 46, G replaced by T.
Protein change: p.Val16Leu; replaces valine 16 with leucine.
Molecular consequence: missense variant. On other transcripts: non-coding transcript variant (1), intron variant (2).
Genome position (GRCh38, 1-based): chr1:206,772,390, C>A on the plus strand (G>T on the coding strand, the complement: IL10 is on the minus strand). VCF-style: chr1-206772390-C-A. GRCh37 (hg19) VCF-style: chr1-206945735-C-A.
Other names: c.-149+1312C>A (NM_153758.5); c.-149+1560C>A (NM_001393490.1); short protein forms V16L.
Identifiers: ClinVar variation 1484774 (VCV001484774.7), dbSNP rs1674878129, ClinGen allele CA344482697.